The following is an entry in ClinVar:

NM_005506.4(SCARB2):c.851A>C (p.Tyr284Ser)

Gene: SCARB2 (scavenger receptor class B member 2; minus strand). Cytogenetic location: 4q21.1.
Variant type: single nucleotide variant.
Coding change: c.851A>C on transcript NM_005506.4 (MANE Select); coding-DNA position 851, A replaced by C.
Protein change: p.Tyr284Ser; replaces tyrosine 284 with serine.
Molecular consequence: missense variant.
Genome position (GRCh38, 1-based): chr4:76,174,287, T>G on the plus strand (A>C on the coding strand, the complement: SCARB2 is on the minus strand). VCF-style: chr4-76174287-T-G. GRCh37 (hg19) VCF-style: chr4-77095440-T-G.
Other names: c.422A>C, p.Tyr141Ser (NM_001204255.2); short protein forms Y284S, Y141S.
Identifiers: ClinVar variation 406875 (VCV000406875.25), dbSNP rs149997095, ClinGen allele CA2970238.
Genomic context (GRCh38, chr4:76,174,287, plus strand): 5'-TTGGCTAATATTTCTGCAGGAACTTTATACCGAAAGGCAGGCAGTCCCTGTACACTCTCA[T>G]AGTCACTGAAAGTAATATACACTGACCTGTTAGGATGTAAGAATAAAAAGTGAATGTGGA-3'
Protein context (NP_005497.1, residues 274-294): CRSVYITFSD[Tyr284Ser]ESVQGLPAFR

ClinVar aggregate classification (germline): Conflicting classifications of pathogenicity. Review status: criteria provided, conflicting classifications (1 of 4 stars). 7 submissions from 7 submitters: Uncertain significance (5); Likely benign (1). 1 of the submissions does not count toward it. Last evaluated 2026-08-05.

Conditions:
Inborn genetic diseases. Identifiers: MedGen C0950123, MeSH D030342.
Action myoclonus-renal failure syndrome. Also called: SCARB2-Related Action Myoclonus-Renal Failure Syndrome; EPILEPSY, PROGRESSIVE MYOCLONIC, 4, WITH RENAL FAILURE; EPILEPSY, PROGRESSIVE MYOCLONIC, 4, WITHOUT RENAL FAILURE; MYOCLONUS-NEPHROPATHY SYNDROME. Identifiers: Orphanet 163696, MedGen C0751779, MeSH D020191, MONDO:0009699, OMIM 254900.
Progressive myoclonic epilepsy. Also called: Progressive myoclonus epilepsy; Familial progressive myoclonic epilepsy; Myoclonus epilepsy; Myoclonic Epilepsies, Progressive. Identifiers: Orphanet 308, Orphanet 98261, MedGen C0751778, MONDO:0020074.
SCARB2-related disorder. Also called: SCARB2-related condition.

Allele frequency attached by ClinVar (database versions not stated): ESP Exome Variant Server 0.00031; TOPMed 0.00054; gnomAD 0.00041.
gnomAD v4.1: 140 of 1,614,008 alleles (0.0087%); highest among the groups gnomAD compares: African/African-American, 0.17%; no homozygotes.

Submissions (7):

GeneDx
Classification: Uncertain significance. Last evaluated: 2026-08-05. Review status: criteria provided, single submitter. Criteria: GeneDx Variant Classification Process June 2021. Collection method: clinical testing. Allele origin: germline.
Comment: In silico analysis suggests that this missense variant does not alter protein structure/function; Has not been previously published as pathogenic or benign to our knowledge

Women's Health and Genetics/Laboratory Corporation of America, LabCorp
Classification: Uncertain significance. Last evaluated: 2026-02-02. Review status: criteria provided, single submitter. Criteria: LabCorp Variant Classification Summary - May 2015. Collection method: clinical testing. Allele origin: germline.
Comment: Variant summary: SCARB2 c.851A>C (p.Tyr284Ser) results in a non-conservative amino acid change in the encoded protein sequence. Algorithms developed to predict the effect of missense changes on protein structure and function are either unavailable or do not agree on the potential impact of this missense change. The variant allele was found at a frequency of 0.0001 in 251110 control chromosomes. This frequency is not significantly higher than estimated for disease-causing variants in SCARB2, allowing no conclusion about variant significance. To our knowledge, no occurrence of c.851A>C in individuals affected with SCARB2-related conditions and no experimental evidence demonstrating its impact on protein function have been reported. ClinVar contains an entry for this variant (Variation ID: 406875). Based on the evidence outlined above, the variant was classified as uncertain significance.

Fulgent Genetics
Classification: Uncertain significance for Action myoclonus-renal failure syndrome. Last evaluated: 2024-01-09. Review status: criteria provided, single submitter. Criteria: ACMG Guidelines, 2015. Collection method: clinical testing. Allele origin: germline.

Ambry Genetics
Classification: Likely benign for Inborn genetic diseases. Last evaluated: 2023-12-16. Review status: criteria provided, single submitter. Criteria: Ambry Variant Classification Scheme 2023. Collection method: clinical testing. Allele origin: germline.

Labcorp Genetics (formerly Invitae), Labcorp
Classification: Uncertain significance for Progressive myoclonic epilepsy. Last evaluated: 2022-10-25. Review status: criteria provided, single submitter. Criteria: Invitae Variant Classification Sherloc (09022015). Collection method: clinical testing. Allele origin: germline.
Comment: This sequence change replaces tyrosine, which is neutral and polar, with serine, which is neutral and polar, at codon 284 of the SCARB2 protein (p.Tyr284Ser). This variant is present in population databases (rs149997095, gnomAD 0.2%). This variant has not been reported in the literature in individuals affected with SCARB2-related conditions. ClinVar contains an entry for this variant (Variation ID: 406875). Advanced modeling of protein sequence and biophysical properties (such as structural, functional, and spatial information, amino acid conservation, physicochemical variation, residue mobility, and thermodynamic stability) performed at Invitae indicates that this missense variant is not expected to disrupt SCARB2 protein function. In summary, the available evidence is currently insufficient to determine the role of this variant in disease. Therefore, it has been classified as a Variant of Uncertain Significance.

Mayo Clinic Laboratories, Mayo Clinic
Classification: Uncertain significance. Last evaluated: 2020-11-24. Review status: criteria provided, single submitter. Criteria: ACMG Guidelines, 2015. Collection method: clinical testing. Allele origin: germline. Observed: 1 variant allele.

PreventionGenetics, part of Exact Sciences
Classification: Likely benign for SCARB2-related condition. Last evaluated: 2022-03-31. Review status: no assertion criteria provided. Collection method: clinical testing. Allele origin: germline. Not counted in ClinVar's aggregate classification.
Comment: This variant is classified as likely benign based on ACMG/AMP sequence variant interpretation guidelines (Richards et al. 2015 PMID: 25741868, with internal and published modifications).